The following is an entry in ClinVar:

NM_022455.5(NSD1):c.5738A>G (p.Asn1913Ser)

Gene: NSD1 (nuclear receptor binding SET domain protein 1; plus strand). Cytogenetic location: 5q35.3.
Variant type: single nucleotide variant.
Coding change: c.5738A>G on transcript NM_022455.5 (MANE Select); coding-DNA position 5738, A replaced by G.
Protein change: p.Asn1913Ser; replaces asparagine 1913 with serine.
Molecular consequence: missense variant.
Genome position (GRCh38, 1-based): chr5:177,280,680, A>G. VCF-style: chr5-177280680-A-G. GRCh37 (hg19) VCF-style: chr5-176707681-A-G.
Other names: c.4865A>G, p.Asn1622Ser (NM_001365684.2, NM_001409308.1, NM_001409309.1 and 1 more transcripts); c.5738A>G, p.Asn1913Ser (NM_001409301.1, NM_001409302.1, NM_001409303.1); c.5318A>G, p.Asn1773Ser (NM_001409304.1); c.4985A>G, p.Asn1662Ser (NM_001409305.1); c.4976A>G, p.Asn1659Ser (NM_001409306.1, NM_001409307.1); short protein forms N1644S, N1913S, N1662S, N1773S, N1622S, N1659S.
Identifiers: ClinVar variation 1699374 (VCV001699374.4), dbSNP rs2127257170, ClinGen allele CA362312937.

ClinVar aggregate classification (germline): Pathogenic (1 of 4 stars; one submission).

Conditions:
Sotos syndrome (SOTOS). Also called: CEREBRAL GIGANTISM; Sotos' syndrome; Distinctive facial appearance, overgrowth in childhood, and learning disabilities or delayed development; CHROMOSOME 5q35 DELETION SYNDROME; SOTOS SYNDROME 1. Identifiers: Orphanet 821, MedGen C0175695, MONDO:0019349, OMIM 117550.

Submission:

Victorian Clinical Genetics Services, Murdoch Childrens Research Institute
Classification: Pathogenic for Sotos syndrome. Last evaluated: 2022-02-02. Review status: criteria provided, single submitter. Criteria: ACMG Guidelines, 2015. Collection method: clinical testing. Allele origin: germline. Inheritance: Autosomal dominant inheritance. Affected: yes.
Comment: Based on the classification scheme VCGS_Germline_v1.3.4, this variant is classified as Pathogenic. Following criteria are met: 0102 - Loss of function is a known mechanism of disease in this gene and is associated with Sotos syndrome (MIM#117550). (I) 0107 - This gene is associated with autosomal dominant disease. (I) 0200 - Variant is predicted to result in a missense amino acid change from asparagine to serine. (I) 0251 - This variant is heterozygous. (I) 0301 - Variant is absent from gnomAD (both v2 and v3). (SP) 0501 - Missense variant consistently predicted to be damaging by multiple in silico tools or highly conserved with a major amino acid change. (SP) 0603 - Missense variant in a region that is highly intolerant to missense variation (high constraint region in DECIPHER). (SP) 0703 - Other missense variants comparable to the one identified in this case have moderate previous evidence for pathogenicity. Alternative changes of this residue to aspartic acid and to histidine have been reported in individuals with Sotos syndrome, the latter de novo (PMID: 15452385, 26043501). (SP) 0803 - This variant has limited previous evidence of pathogenicity in an unrelated individual. This variant has been reported in one individual with Sotos syndrome in the Spanish Overgrowth Registry (PMID: 21834047). (SP) 0905 - No published segregation evidence has been identified for this variant. (I) 1007 - No published functional evidence has been identified for this variant. (SP) Legend: (SP) - Supporting pathogenic, (I) - Information, (SB) - Supporting benign

Literature cited by the submitters: PubMed 15452385; PubMed 21834047; PubMed 26043501.